The following is an entry in ClinVar:

ClinVar aggregate classification (germline): Likely pathogenic (1 of 4 stars; one submission).

Conditions:
X-linked Alport syndrome (ATS1). Also called: NEPHROPATHY AND DEAFNESS, X-LINKED; COL4A5-Related Nephropathy. Identifiers: Orphanet 63, Orphanet 88917, MedGen C4746986, MONDO:0010520, OMIM 301050.

Submission:

Myriad Genetics, Inc.
Classification: Likely pathogenic for X-linked Alport syndrome. Last evaluated: 2019-11-05. Review status: criteria provided, single submitter. Criteria: Myriad Women's Health Autosomal Recessive and X-Linked Classification Criteria (2019). Collection method: clinical testing. Allele origin: unknown.
Comment: NM_000495.4(COL4A5):c.494C>G(S165*) is expected to be pathogenic in the context of X-linked Alport syndrome. This variant is predicted to lead to an abnormal or absent protein product due to the creation of a premature termination codon in COL4A5, a gene where loss-of-function variants are known to be pathogenic. Please note: this variant was assessed in the context of healthy population screening.

NM_033380.3(COL4A5):c.494C>G (p.Ser165Ter)

Gene: COL4A5 (collagen type IV alpha 5 chain; plus strand). Cytogenetic location: Xq22.3.
Variant type: single nucleotide variant.
Coding change: c.494C>G on transcript NM_033380.3 (MANE Select); coding-DNA position 494, C replaced by G.
Protein change: p.Ser165Ter; replaces serine 165 with a stop codon.
Molecular consequence: nonsense.
Genome position (GRCh38, 1-based): chrX:108,573,602, C>G. VCF-style: chrX-108573602-C-G. GRCh37 (hg19) VCF-style: chrX-107816832-C-G.
Other names: c.494C>G, p.Ser165Ter (NM_000495.5); short protein forms S165*.
Identifiers: ClinVar variation 983610 (VCV000983610.3), dbSNP rs2066099798, ClinGen allele CA413920865.